The following is an entry in ClinVar:

ClinVar aggregate classification (germline): Uncertain significance (1 of 4 stars; one submission).

Submission:

ISCA site 4
Classification: Uncertain significance. Last evaluated: 2011-08-12. Review status: criteria provided, single submitter. Criteria: Kaminsky et al. (Genet Med. 2011). Collection method: clinical testing. Allele origin: unknown. Affected: yes. Observed: 1 variant allele.
Comment: Copy number variation identified through the course of routine clinical cytogenomic testing in postnatal populations. Clinical assertions have been curated as described in Kaminsky et al. 2011.

GRCh38/hg38 2q34-35(chr2:213912976-215939299)x3

Genes: ABCA12 (ATP binding cassette subfamily A member 12; minus strand), ATIC (5-aminoimidazole-4-carboxamide ribonucleotide formyltransferase/IMP cyclohydrolase; plus strand), BARD1 (BRCA1 associated RING domain 1; minus strand), FN1 (fibronectin 1; minus strand), FN1-DT (FN1 divergent transcript; plus strand) and 33 more. Cytogenetic location: 2q34-35.
Variant type: copy number gain.
Change: copy number 3 (three copies instead of two) of chr2:213,912,976-215,939,299 (2.03 Mb, GRCh38 coordinates, 1-based), cytogenetic band 2q34-35.
Identifiers: ClinVar variation 57418 (VCV000057418.1).